The following is an entry in ClinVar:

NM_020297.4(ABCC9):c.1094A>G (p.Gln365Arg)

Gene: ABCC9 (ATP binding cassette subfamily C member 9; minus strand). Cytogenetic location: 12p12.1.
Variant type: single nucleotide variant.
Coding change: c.1094A>G on transcript NM_020297.4 (MANE Select); coding-DNA position 1094, A replaced by G.
Protein change: p.Gln365Arg; replaces glutamine 365 with arginine.
Molecular consequence: missense variant.
Genome position (GRCh38, 1-based): chr12:21,910,896, T>C on the plus strand (A>G on the coding strand, the complement: ABCC9 is on the minus strand). VCF-style: chr12-21910896-T-C. GRCh37 (hg19) VCF-style: chr12-22063830-T-C.
Other names: c.1094A>G, p.Gln365Arg (NM_001377273.1, NM_005691.4); c.230A>G, p.Gln77Arg (NM_001377274.1); short protein forms Q365R, Q77R.
Identifiers: ClinVar variation 3775690 (VCV003775690.1).

ClinVar aggregate classification (germline): Uncertain significance (1 of 4 stars; one submission).

Conditions:
Hypertrichotic osteochondrodysplasia Cantu type. Also called: Cantu Syndrome; Cantú Syndrome. Identifiers: Orphanet 1517, MedGen C0795905, MONDO:0009406, OMIM 239850.

Submission:

3billion
Classification: Uncertain significance for Hypertrichotic osteochondrodysplasia Cantu type. Last evaluated: 2023-08-21. Review status: criteria provided, single submitter. Criteria: ACMG Guidelines, 2015. Collection method: clinical testing. Allele origin: germline. Affected: yes.
Comment: The variant is not observed in the gnomAD v2.1.1 dataset. Predicted Consequence/Location: Missense changes are a common disease-causing mechanism. In silico tool predictions suggest damaging effect of the variant on gene or gene product [REVEL: 0.68 (>=0.6, sensitivity 0.68 and specificity 0.92)]. Therefore, this variant is classified as VUS according to the recommendation of ACMG/AMP guideline.